The following is an entry in ClinVar:

ClinVar aggregate classification (germline): Likely benign. Review status: criteria provided, multiple submitters, no conflicts (2 of 4 stars). 3 submissions from 3 submitters: Likely benign (3). Last evaluated 2025-06-22.

Conditions:
Inborn genetic diseases. Identifiers: MedGen C0950123, MeSH D030342.

Allele frequency attached by ClinVar (database versions not stated): ExAC 0.00003.
gnomAD v4.1: 32 of 1,614,038 alleles (0.002%); highest among the groups gnomAD compares: South Asian, 0.011%; no homozygotes.

Submissions (3):

Labcorp Genetics (formerly Invitae), Labcorp
Classification: Likely benign. Last evaluated: 2025-06-22. Review status: criteria provided, single submitter. Criteria: Invitae Variant Classification Sherloc (09022015). Collection method: clinical testing. Allele origin: germline.

Ambry Genetics
Classification: Likely benign for Inborn genetic diseases. Last evaluated: 2023-08-04. Review status: criteria provided, single submitter. Criteria: Ambry Variant Classification Scheme 2023. Collection method: clinical testing. Allele origin: germline.

CeGaT Center for Human Genetics Tuebingen
Classification: Likely benign. Last evaluated: 2022-12-01. Review status: criteria provided, single submitter. Criteria: CeGaT Center For Human Genetics Tuebingen Variant Classification Criteria Version 2. Collection method: clinical testing. Allele origin: germline. Affected: yes. Observed: 1 variant allele.
Comment: SETBP1: BP4

NM_015559.3(SETBP1):c.1523C>T (p.Thr508Met)

Gene: SETBP1 (SET binding protein 1; plus strand). Cytogenetic location: 18q12.3.
Variant type: single nucleotide variant.
Coding change: c.1523C>T on transcript NM_015559.3 (MANE Select); coding-DNA position 1523, C replaced by T.
Protein change: p.Thr508Met; replaces threonine 508 with methionine.
Molecular consequence: missense variant.
Genome position (GRCh38, 1-based): chr18:44,950,863, C>T. VCF-style: chr18-44950863-C-T. GRCh37 (hg19) VCF-style: chr18-42530828-C-T.
Other names: c.1523C>T (NM_015559.2); c.1523C>T, p.Thr508Met (NM_001379141.1, NM_001379142.1); short protein forms T508M.
Identifiers: ClinVar variation 1446959 (VCV001446959.31), dbSNP rs776966017, ClinGen allele CA8945635.